The following is an entry in ClinVar:

ClinVar aggregate classification (germline): Likely benign (1 of 4 stars; one submission).

Submission:

Dasa
Classification: Likely benign. Last evaluated: 2025-01-28. Review status: criteria provided, single submitter. Criteria: DASA Assertion Criteria. Collection method: clinical testing. Allele origin: germline.
Comment: NM_015057.5(MYCBP2):c.5345A>G (p.Glu1782Gly) is a missense variant that results in the substitution of glutamic acid with glycine. Computational prediction algorithms are consistent with a benign effect. Therefore, based on the currently available evidence, this variant is classified as likely benign.

NM_015057.5(MYCBP2):c.5345A>G (p.Glu1782Gly)

Gene: MYCBP2 (MYC binding protein 2; minus strand). Cytogenetic location: 13q22.3.
Variant type: single nucleotide variant.
Coding change: c.5345A>G on transcript NM_015057.5 (MANE Select); coding-DNA position 5345, A replaced by G.
Protein change: p.Glu1782Gly; replaces glutamic acid 1782 with glycine.
Molecular consequence: missense variant.
Genome position (GRCh38, 1-based): chr13:77,176,624, T>C on the plus strand (A>G on the coding strand, the complement: MYCBP2 is on the minus strand). VCF-style: chr13-77176624-T-C. GRCh37 (hg19) VCF-style: chr13-77750759-T-C.
Other names: short protein forms E1782G.
Identifiers: ClinVar variation 4856957 (VCV004856957.2).